The following is an entry in ClinVar:

ClinVar aggregate classification (germline): Uncertain significance (1 of 4 stars; one submission).

Conditions:
Severe combined immunodeficiency, autosomal recessive, T cell-negative, B cell-negative, NK cell-positive. Also called: SCID, T CELL-NEGATIVE, B CELL-NEGATIVE, NK CELL-POSITIVE; Severe combined immunodeficiency due to complete RAG1/2 deficiency; SCID, AR, T-cell negative, B-cell negative, NK cell-positive. Identifiers: Orphanet 331206, MedGen C1832322, MONDO:0011086, OMIM 601457.
Combined immunodeficiency with skin granulomas. Identifiers: Orphanet 157949, MedGen C2673536, MONDO:0009306, OMIM 233650.

Allele frequency attached by ClinVar (database versions not stated): gnomAD exomes below 0.00001; ExAC 0.00001; gnomAD 0.00001.
gnomAD v4.1: 3 of 1,614,154 alleles (0.00019%); highest among the groups gnomAD compares: African/African-American, 0.0027%; no homozygotes.

Submission:

Labcorp Genetics (formerly Invitae), Labcorp
Classification: Uncertain significance for Combined immunodeficiency with skin granulomas; Severe combined immunodeficiency, autosomal recessive, T cell-negative, B cell-negative, NK cell-positive. Last evaluated: 2022-07-26. Review status: criteria provided, single submitter. Criteria: Invitae Variant Classification Sherloc (09022015). Collection method: clinical testing. Allele origin: germline.
Comment: In summary, the available evidence is currently insufficient to determine the role of this variant in disease. Therefore, it has been classified as a Variant of Uncertain Significance. Advanced modeling of protein sequence and biophysical properties (such as structural, functional, and spatial information, amino acid conservation, physicochemical variation, residue mobility, and thermodynamic stability) performed at Invitae indicates that this missense variant is not expected to disrupt RAG1 protein function. ClinVar contains an entry for this variant (Variation ID: 646600). This variant has not been reported in the literature in individuals affected with RAG1-related conditions. This variant is present in population databases (rs767579422, gnomAD 0.0009%). This sequence change replaces serine, which is neutral and polar, with asparagine, which is neutral and polar, at codon 687 of the RAG1 protein (p.Ser687Asn).

NM_000448.3(RAG1):c.2060G>A (p.Ser687Asn)

Gene: RAG1 (recombination activating 1; plus strand). Cytogenetic location: 11p12.
Variant type: single nucleotide variant.
Coding change: c.2060G>A on transcript NM_000448.3 (MANE Select); coding-DNA position 2060, G replaced by A.
Protein change: p.Ser687Asn; replaces serine 687 with asparagine.
Molecular consequence: missense variant.
Genome position (GRCh38, 1-based): chr11:36,575,364, G>A. VCF-style: chr11-36575364-G-A. GRCh37 (hg19) VCF-style: chr11-36596914-G-A.
Other names: c.2060G>A, p.Ser687Asn (NM_001377277.1, NM_001377278.1, NM_001377279.1 and 1 more transcripts); short protein forms S687N.
Identifiers: ClinVar variation 646600 (VCV000646600.8), dbSNP rs767579422, ClinGen allele CA5950209.